The following is an entry in ClinVar:

NM_182914.3(SYNE2):c.13097T>C (p.Leu4366Ser)

Gene: SYNE2 (spectrin repeat containing nuclear envelope protein 2; plus strand). Cytogenetic location: 14q23.2.
Variant type: single nucleotide variant.
Coding change: c.13097T>C on transcript NM_182914.3 (MANE Select); coding-DNA position 13097, T replaced by C.
Protein change: p.Leu4366Ser; replaces leucine 4366 with serine.
Molecular consequence: missense variant.
Genome position (GRCh38, 1-based): chr14:64,121,000, T>C. VCF-style: chr14-64121000-T-C. GRCh37 (hg19) VCF-style: chr14-64587718-T-C.
Other names: c.13097T>C, p.Leu4366Ser (NM_015180.6); short protein forms L4366S.
Identifiers: ClinVar variation 3659168 (VCV003659168.2).

ClinVar aggregate classification (germline): Uncertain significance (1 of 4 stars; one submission).

Conditions:
Emery-Dreifuss muscular dystrophy 5, autosomal dominant (EDMD5). Also called: EMERY-DREIFUSS MUSCULAR DYSTROPHY 5. Identifiers: Orphanet 261, MedGen C2751805, MONDO:0013072, OMIM 612999.

Submission:

Labcorp Genetics (formerly Invitae), Labcorp
Classification: Uncertain significance for Emery-Dreifuss muscular dystrophy 5, autosomal dominant. Last evaluated: 2024-08-14. Review status: criteria provided, single submitter. Criteria: Invitae Variant Classification Sherloc (09022015). Collection method: clinical testing. Allele origin: germline.
Comment: This sequence change replaces leucine, which is neutral and non-polar, with serine, which is neutral and polar, at codon 4366 of the SYNE2 protein (p.Leu4366Ser). This variant is not present in population databases (gnomAD no frequency). This variant has not been reported in the literature in individuals affected with SYNE2-related conditions. An algorithm developed to predict the effect of missense changes on protein structure and function (PolyPhen-2) suggests that this variant is likely to be disruptive. In summary, the available evidence is currently insufficient to determine the role of this variant in disease. Therefore, it has been classified as a Variant of Uncertain Significance.